The following is an entry in ClinVar:

NM_203446.3(SYNJ1):c.494A>G (p.His165Arg)

Gene: SYNJ1 (synaptojanin 1; minus strand). Cytogenetic location: 21q22.11.
Variant type: single nucleotide variant.
Coding change: c.494A>G on transcript NM_203446.3 (MANE Select); coding-DNA position 494, A replaced by G.
Protein change: p.His165Arg; replaces histidine 165 with arginine.
Molecular consequence: missense variant.
Genome position (GRCh38, 1-based): chr21:32,695,268, T>C on the plus strand (A>G on the coding strand, the complement: SYNJ1 is on the minus strand). VCF-style: chr21-32695268-T-C. GRCh37 (hg19) VCF-style: chr21-34067578-T-C.
Other names: c.494A>G, p.His165Arg (NM_001160302.2, NM_001160306.2); c.611A>G, p.His204Arg (NM_003895.4); short protein forms H165R, H204R.
Identifiers: ClinVar variation 1448823 (VCV001448823.6), dbSNP rs2042161467, ClinGen allele CA410098944.

ClinVar aggregate classification (germline): Uncertain significance (1 of 4 stars; one submission).

Conditions:
Developmental and epileptic encephalopathy, 53. Also called: Epileptic encephalopathy, early infantile, 53. Identifiers: MedGen C4479313, MONDO:0033362, OMIM 617389.
Early-onset Parkinson disease 20. Also called: PARKINSON DISEASE 20, AUTOSOMAL RECESSIVE EARLY-ONSET. Identifiers: Orphanet 391411, MedGen C3809824, MONDO:0014233, OMIM 615530.

Allele frequency attached by ClinVar (database versions not stated): gnomAD exomes below 0.00001.
gnomAD v4.1: 5 of 1,613,776 alleles (0.00031%); highest among the groups gnomAD compares: South Asian, 0.0044%; no homozygotes.

Submission:

Labcorp Genetics (formerly Invitae), Labcorp
Classification: Uncertain significance for Developmental and epileptic encephalopathy, 53; Early-onset Parkinson disease 20. Last evaluated: 2022-08-23. Review status: criteria provided, single submitter. Criteria: Invitae Variant Classification Sherloc (09022015). Collection method: clinical testing. Allele origin: germline.
Comment: This sequence change replaces histidine, which is basic and polar, with arginine, which is basic and polar, at codon 204 of the SYNJ1 protein (p.His204Arg). This variant is not present in population databases (gnomAD no frequency). This variant has not been reported in the literature in individuals affected with SYNJ1-related conditions. ClinVar contains an entry for this variant (Variation ID: 1448823). Algorithms developed to predict the effect of missense changes on protein structure and function are either unavailable or do not agree on the potential impact of this missense change (SIFT: "Tolerated"; PolyPhen-2: "Probably Damaging"; Align-GVGD: "Class C0"). In summary, the available evidence is currently insufficient to determine the role of this variant in disease. Therefore, it has been classified as a Variant of Uncertain Significance.